The following is an entry in ClinVar:

NM_000062.3(SERPING1):c.1012_1016del (p.Gln338fs)

Gene: SERPING1 (serpin family G member 1; plus strand). Cytogenetic location: 11q12.1.
Variant type: Deletion.
Coding change: c.1012_1016del on transcript NM_000062.3 (MANE Select); coding-DNA positions 1012 to 1016, 5 bases deleted (CAAAC; older notation c.1012_1016delCAAAC).
Protein change: p.Gln338fs; shifts the reading frame from glutamine 338.
Molecular consequence: frameshift variant.
Genome position (GRCh38, 1-based): chr11:57,606,530-57,606,534, CAAAC deleted; deleting any 5 consecutive bases within chr11:57,606,528-57,606,534 gives the same sequence; the c. name uses the placement nearest the transcript's 3' end. VCF-style (leftmost placement, unchanged base first): chr11-57606527-GACCAA-G. GRCh37 (hg19) VCF-style: chr11-57374000-GACCAA-G.
Other names: c.1012_1016del, p.Gln338fs (NM_001032295.2); short protein forms Q338fs.
Identifiers: ClinVar variation 1452090 (VCV001452090.6), dbSNP rs2135318388, ClinGen allele CA2573147323.
Genomic context (GRCh38, chr11:57,606,527, plus strand): 5'-AACTCAGTTATAAAAGTGCCCATGATGAATAGCAAGAAGTACCCTGTGGCCCATTTCATT[GACCAA>G]ACTTTGAAAGCCAAGGTAAGTTCTTAACCTTTCCTTCTCCTGTTTGAAACCTACTTGAGT-3'

ClinVar aggregate classification (germline): Pathogenic (1 of 4 stars; one submission).

Submission:

Labcorp Genetics (formerly Invitae), Labcorp
Classification: Pathogenic. Last evaluated: 2020-12-03. Review status: criteria provided, single submitter. Criteria: Invitae Variant Classification Sherloc (09022015). Collection method: clinical testing. Allele origin: germline.
Comment: For these reasons, this variant has been classified as Pathogenic. This variant has not been reported in the literature in individuals with SERPING1-related conditions. This variant is not present in population databases (ExAC no frequency). This sequence change creates a premature translational stop signal (p.Gln338Phefs*29) in the SERPING1 gene. It is expected to result in an absent or disrupted protein product. Loss-of-function variants in SERPING1 are known to be pathogenic (PMID: 11112899, 24456027).

Literature cited by the submitters: PubMed 11112899; PubMed 24456027.